The following is an entry in ClinVar:

NM_001401501.2(MUC16):c.5541A>G (p.Gly1847=)

Gene: MUC16 (mucin 16, cell surface associated; minus strand). Cytogenetic location: 19p13.2.
Variant type: single nucleotide variant.
Coding change: c.5541A>G on transcript NM_001401501.2 (MANE Select); coding-DNA position 5541, A replaced by G.
Protein change: p.Gly1847=; no amino-acid change (glycine 1847 retained).
Molecular consequence: synonymous variant.
Genome position (GRCh38, 1-based): chr19:8,975,718, T>C on the plus strand (A>G on the coding strand, the complement: MUC16 is on the minus strand). VCF-style: chr19-8975718-T-C. GRCh37 (hg19) VCF-style: chr19-9086394-T-C.
Other names: c.5967A>G, p.Gly1989= (NM_001414686.1); c.5421A>G, p.Gly1807= (NM_001414687.1, NM_024690.2).
Identifiers: ClinVar variation 3046744 (VCV003046744.2), dbSNP rs376237250, ClinGen allele CA9172638.
Genomic context (GRCh38, chr19:8,975,718, plus strand): 5'-CACCTCCATTGATGGAGTTGGAGATGGAAGATCCATAGAGGCAGTTCTGAGTTTTTCTTT[T>C]CCTGTATTTTCAGTGCTTCCCAAAGCTGTGGACATAAGGGTAGCTGAGCTGGACTCTGTC-3'
Protein context (NP_001388430.1, residues 1837-1857): STALGSTENT[Gly1847=]KEKLRTASMD

ClinVar aggregate classification (germline): Likely benign (0 of 4 stars; one submission).

Conditions:
MUC16-related disorder. Also called: MUC16-related condition.

Allele frequency attached by ClinVar (database versions not stated): ExAC 0.00012; TOPMed 0.00015; ESP Exome Variant Server 0.00017; gnomAD 0.00018; gnomAD exomes 0.00019.

Submission:

PreventionGenetics, part of Exact Sciences
Classification: Likely benign for MUC16-related condition. Last evaluated: 2019-02-26. Review status: no assertion criteria provided. Collection method: clinical testing. Allele origin: germline.
Comment: This variant is classified as likely benign based on ACMG/AMP sequence variant interpretation guidelines (Richards et al. 2015 PMID: 25741868, with internal and published modifications).